The following is an entry in ClinVar:

ClinVar aggregate classification (germline): Benign. Review status: criteria provided, single submitter (1 of 4 stars). 2 submissions from 2 submitters: Benign (1). 1 of the submissions does not count toward it. Last evaluated 2026-01-12.

Conditions:
MYH7B-related disorder. Also called: MYH7B-related condition.

Allele frequency attached by ClinVar (database versions not stated): ESP Exome Variant Server 0.00016; 1000 Genomes Project 30x 0.00125; 1000 Genomes Project 0.00140; gnomAD 0.00145 and 0.00147; TOPMed 0.00185; ExAC 0.00269.

Submissions (2):

Labcorp Genetics (formerly Invitae), Labcorp
Classification: Benign. Last evaluated: 2026-01-12. Review status: criteria provided, single submitter. Criteria: Invitae Variant Classification Sherloc (09022015). Collection method: clinical testing. Allele origin: germline.

PreventionGenetics, part of Exact Sciences
Classification: Benign for MYH7B-related condition. Last evaluated: 2024-08-08. Review status: no assertion criteria provided. Collection method: clinical testing. Allele origin: germline. Not counted in ClinVar's aggregate classification.
Comment: This variant is classified as benign based on ACMG/AMP sequence variant interpretation guidelines (Richards et al. 2015 PMID: 25741868, with internal and published modifications).

NM_020884.7(MYH7B):c.2404C>T (p.Arg802Cys)

Gene: MYH7B (myosin heavy chain 7B; plus strand). Cytogenetic location: 20q11.22.
Variant type: single nucleotide variant.
Coding change: c.2404C>T on transcript NM_020884.7 (MANE Select); coding-DNA position 2404, C replaced by T.
Protein change: p.Arg802Cys; replaces arginine 802 with cysteine.
Molecular consequence: missense variant.
Genome position (GRCh38, 1-based): chr20:34,993,430, C>T. VCF-style: chr20-34993430-C-T. GRCh37 (hg19) VCF-style: chr20-33581233-C-T.
Other names: short protein forms R802C.
Identifiers: ClinVar variation 778881 (VCV000778881.10), dbSNP rs201533475, ClinGen allele CA9827359.